The following is an entry in ClinVar:

NM_004544.4(NDUFA10):c.547+18A>G

Gene: NDUFA10 (NADH:ubiquinone oxidoreductase subunit A10; minus strand). Cytogenetic location: 2q37.3.
Variant type: single nucleotide variant.
Coding change: c.547+18A>G on transcript NM_004544.4 (MANE Select); 18 bases into the intron after coding-DNA position 547, A replaced by G.
Molecular consequence: intron variant.
Genome position (GRCh38, 1-based): chr2:240,018,535, T>C on the plus strand (A>G on the coding strand, the complement: NDUFA10 is on the minus strand). VCF-style: chr2-240018535-T-C. GRCh37 (hg19) VCF-style: chr2-240957952-T-C.
Other names: c.547+18A>G (NM_001322020.2, NM_001322019.2).
Identifiers: ClinVar variation 383620 (VCV000383620.3), dbSNP rs748355238, ClinGen allele CA2201014.

ClinVar aggregate classification (germline): Likely benign. Review status: criteria provided, multiple submitters, no conflicts (2 of 4 stars). 2 submissions from 2 submitters: Likely benign (2). Last evaluated 2024-10-17.

Allele frequency attached by ClinVar (database versions not stated): gnomAD 0.00001 and 0.00003; TOPMed 0.00001; gnomAD exomes 0.00005 and 0.00007; ExAC 0.00008.
gnomAD v4.1: 74 of 1,614,168 alleles (0.0046%); highest among the groups gnomAD compares: South Asian, 0.061%; 1 homozygote.

Submissions (2):

Labcorp Genetics (formerly Invitae), Labcorp
Classification: Likely benign. Last evaluated: 2024-10-17. Review status: criteria provided, single submitter. Criteria: Invitae Variant Classification Sherloc (09022015). Collection method: clinical testing. Allele origin: germline.

GeneDx
Classification: Likely benign. Last evaluated: 2016-03-18. Review status: criteria provided, single submitter. Criteria: GeneDx Variant Classification (06012015). Collection method: clinical testing. Allele origin: germline. Affected: yes.
Comment: This variant is considered likely benign or benign based on one or more of the following criteria: it is a conservative change, it occurs at a poorly conserved position in the protein, it is predicted to be benign by multiple in silico algorithms, and/or has population frequency not consistent with disease.